The following is an entry in ClinVar:

ClinVar aggregate classification (germline): Uncertain significance (1 of 4 stars; one submission).

Allele frequency attached by ClinVar (database versions not stated): gnomAD exomes below 0.00001.

Submission:

Labcorp Genetics (formerly Invitae), Labcorp
Classification: Uncertain significance. Last evaluated: 2022-06-14. Review status: criteria provided, single submitter. Criteria: Invitae Variant Classification Sherloc (09022015). Collection method: clinical testing. Allele origin: germline.
Comment: This sequence change replaces leucine, which is neutral and non-polar, with phenylalanine, which is neutral and non-polar, at codon 153 of the EIF2B4 protein (p.Leu153Phe). This variant is not present in population databases (gnomAD no frequency). This variant has not been reported in the literature in individuals affected with EIF2B4-related conditions. Algorithms developed to predict the effect of missense changes on protein structure and function are either unavailable or do not agree on the potential impact of this missense change (SIFT: "Tolerated"; PolyPhen-2: "Possibly Damaging"; Align-GVGD: "Class C0"). In summary, the available evidence is currently insufficient to determine the role of this variant in disease. Therefore, it has been classified as a Variant of Uncertain Significance.

NM_001034116.2(EIF2B4):c.460C>T (p.Leu154Phe)

Gene: EIF2B4 (eukaryotic translation initiation factor 2B subunit delta; minus strand). Cytogenetic location: 2p23.3.
Variant type: single nucleotide variant.
Coding change: c.460C>T on transcript NM_001034116.2 (MANE Select); coding-DNA position 460, C replaced by T.
Protein change: p.Leu154Phe; replaces leucine 154 with phenylalanine.
Molecular consequence: missense variant. On other transcripts: 5 prime UTR variant (2).
Genome position (GRCh38, 1-based): chr2:27,368,692, G>A on the plus strand (C>T on the coding strand, the complement: EIF2B4 is on the minus strand). VCF-style: chr2-27368692-G-A. GRCh37 (hg19) VCF-style: chr2-27591559-G-A.
Other names: c.523C>T, p.Leu175Phe (NM_001318965.2); c.415C>T, p.Leu139Phe (NM_001318966.2); c.367C>T, p.Leu123Phe (NM_001318967.2); c.-126C>T (NM_001318968.2); c.-133C>T (NM_001318969.2); c.457C>T, p.Leu153Phe (NM_015636.4); c.520C>T, p.Leu174Phe (NM_172195.4); short protein forms L139F, L174F, L123F, L154F, L153F, L175F.
Identifiers: ClinVar variation 2006225 (VCV002006225.4), dbSNP rs2465519723, ClinGen allele CA346201362.